The following is an entry in ClinVar:

NM_000161.3(GCH1):c.510-1G>C

Gene: GCH1 (GTP cyclohydrolase 1; minus strand). Cytogenetic location: 14q22.2.
Variant type: single nucleotide variant.
Coding change: c.510-1G>C on transcript NM_000161.3 (MANE Select); the canonical splice acceptor site of the intron before coding-DNA position 510, G replaced by C.
Molecular consequence: splice acceptor variant.
Genome position (GRCh38, 1-based): chr14:54,847,131, C>G on the plus strand (G>C on the coding strand, the complement: GCH1 is on the minus strand). VCF-style: chr14-54847131-C-G. GRCh37 (hg19) VCF-style: chr14-55313849-C-G.
Other names: c.510-1G>C (NM_001024071.2, NM_001024070.2, NM_001024024.2).
Identifiers: ClinVar variation 449757 (VCV000449757.2), dbSNP rs1555358604, ClinGen allele CA389787519.

ClinVar aggregate classification (germline): Pathogenic (1 of 4 stars; one submission).

Submission:

GeneDx
Classification: Pathogenic. Last evaluated: 2016-06-14. Review status: criteria provided, single submitter. Criteria: GeneDx Variant Classification (06012015). Collection method: clinical testing. Allele origin: germline. Affected: yes.
Comment: The c.510-1G>C splice site variant in the GCH1 gene destroys the canonical splice acceptor site in intron 3. It is predicted to cause abnormal gene splicing, either leading to an abnormal message that is subject to nonsense-mediated mRNA decay, or to an abnormal protein product if the message is used for protein translation. The variant was not observed in approximately 6,400 individuals of European and African American ancestry in the NHLBI Exome Sequencing Project, indicating it is not a common benign variant in these populations. Although this pathogenic variant has not been previously reported to our knowledge, its presence is consistent with a diagnosis of dopa-responsive dystonia